The following is an entry in ClinVar:

NM_024649.5(BBS1):c.*4C>G

Genes: BBS1 (Bardet-Biedl syndrome 1; plus strand), ZDHHC24 (zDHHC palmitoyltransferase 24; minus strand). Cytogenetic location: 11q13.2.
Variant type: single nucleotide variant.
Coding change: c.*4C>G on transcript NM_024649.5 (MANE Select); 4 bases downstream of the stop codon, C replaced by G.
Molecular consequence: 3 prime UTR variant. On other transcripts: intron variant (1).
Genome position (GRCh38, 1-based): chr11:66,532,041, C>G. VCF-style: chr11-66532041-C-G. GRCh37 (hg19) VCF-style: chr11-66299512-C-G.
Other names: c.560-2553G>C (NM_001348571.2).
Identifiers: ClinVar variation 4982303 (VCV004982303.1).
Genomic context (GRCh38, chr11:66,532,041, plus strand): 5'-CCCCTGCTGAGTGCCCACGTCAACATGCCTGGGAGCGAGGGGCTGGCGGCCGCCTGAGAC[C>G]TGAGCTGCTGTGAAAGCCCCTGCACAATCAGCCAGGGAGAACTGGGCGGGTTTAGTGGCC-3'

ClinVar aggregate classification (germline): Likely benign (1 of 4 stars; one submission).

Conditions:
BBS1-related disorder. Also called: BBS1-related condition.

gnomAD v4.1: 2 of 1,599,420 alleles (0.00013%); highest among the groups gnomAD compares: Non-Finnish European, 0.00017%; no homozygotes.

Submission:

PreventionGenetics, part of Exact Sciences
Classification: Likely benign for BBS1-related condition. Last evaluated: 2026-06-09. Review status: criteria provided, single submitter. Criteria: ACMG Guidelines, 2015. Collection method: clinical testing. Allele origin: germline.
Comment: This variant is classified as likely benign based on ACMG/AMP sequence variant interpretation guidelines (Richards et al. 2015 PMID: 25741868, with internal and published modifications).